The following is an entry in ClinVar:

NM_000059.4(BRCA2):c.8332-2A>G

Gene: BRCA2 (BRCA2 DNA repair associated; plus strand). Cytogenetic location: 13q13.1.
Variant type: single nucleotide variant.
Coding change: c.8332-2A>G on transcript NM_000059.4 (MANE Select); the canonical splice acceptor site of the intron before coding-DNA position 8332, A replaced by G.
Molecular consequence: splice acceptor variant.
Genome position (GRCh38, 1-based): chr13:32,370,400, A>G. VCF-style: chr13-32370400-A-G. GRCh37 (hg19) VCF-style: chr13-32944537-A-G.
Other names: c.8332-2A>G (NM_001406720.1); c.8236-2A>G (NM_001406719.1); c.3400-2A>G (NM_001406721.1); c.1915-2A>G (NM_001406722.1).
Identifiers: ClinVar variation 142861 (VCV000142861.29), dbSNP rs587782774, ClinGen allele CA025585.

ClinVar aggregate classification (germline): Pathogenic/Likely pathogenic. Review status: criteria provided, multiple submitters, no conflicts (2 of 4 stars). 13 submissions from 13 submitters: Pathogenic (2); Likely pathogenic (6). 5 of the submissions do not count toward it. Last evaluated 2025-03-25.

Conditions:
Hereditary cancer-predisposing syndrome. Also called: Tumor predisposition; Neoplastic Syndromes, Hereditary; Hereditary neoplastic syndrome; Hereditary Cancer Syndrome. Identifiers: Orphanet 140162, MedGen C0027672, MeSH D009386, MONDO:0015356.
Hereditary breast ovarian cancer syndrome. Also called: Hereditary breast and ovarian cancer; Hereditary breast and ovarian cancer syndrome (HBOC); Hereditary breast and ovarian cancer syndrome; BRCA1- and BRCA2-Associated Hereditary Breast and Ovarian Cancer; Breast and ovarian cancer; Hereditary breast and/or ovarian cancer syndrome. Identifiers: Orphanet 145, MedGen C0677776, MeSH D061325, MONDO:0003582. Disease mechanism: loss of function.
Breast-ovarian cancer, familial, susceptibility to, 2 (BROVCA2). Also called: BRCA2 Hereditary Breast and Ovarian Cancer. Identifiers: Orphanet 145, MedGen C2675520, MONDO:0012933, OMIM 612555. Disease mechanism: loss of function.
Familial cancer of breast. Also called: BREAST CANCER, FAMILIAL; hereditary breast carcinoma; Hereditary breast cancer. Identifiers: Orphanet 227535, MedGen C0346153, MONDO:0016419, OMIM 114480. Disease mechanism: loss of function.
Malignant tumor of breast. Also called: Malignant breast neoplasm; Cancer breast. Identifiers: MedGen C0006142, MONDO:0007254. Disease mechanism: loss of function.

Submissions (13):

Ambry Genetics
Classification: Likely pathogenic for Hereditary cancer-predisposing syndrome. Last evaluated: 2025-03-25. Review status: criteria provided, single submitter. Criteria: Ambry Variant Classification Scheme 2023. Collection method: clinical testing. Allele origin: germline.
Comment: The c.8332-2A>G intronic variant results from an A to G substitution two nucleotides upstream from coding exon 18 in the BRCA2 gene. This nucleotide position is highly conserved in available vertebrate species. In silico splice site analysis predicts that this alteration will weaken the native splice acceptor site and will result in the creation or strengthening of a novel splice acceptor site. RNA studies have demonstrated that this alteration results in abnormal splicing (Ambry internal data; Mesman RLS et al. Genet Med, 2020 Aug;22:1355-1365; Montalban G et al. Hum Mutat, 2019 Dec;40:2296-2317). The results from two saturation genome editing-based studies, including a haploid cell-survival assay and a humanized mouse embryonic stem cell line assay of drug response and survival, are discordant for this nucleotide substitution (Huang H et al. Nature. 2025 Feb;638(8050):528-537; Sahu S et al. Nature. 2025 Feb;638(8050):538-545). This variant is considered to be rare based on population cohorts in the Genome Aggregation Database (gnomAD). Based on the majority of available evidence to date, this variant is likely to be pathogenic.

Color Diagnostics, LLC DBA Color Health
Classification: Likely pathogenic for Hereditary cancer-predisposing syndrome. Last evaluated: 2025-02-25. Review status: criteria provided, single submitter. Criteria: ACMG Guidelines, 2015. Collection method: clinical testing. Allele origin: germline.
Comment: This variant causes an A to G nucleotide substitution at the -2 position of intron 18 of the BRCA2 gene. RNA studies have shown that this variant and a similar variant disrupting the intron 18 splice acceptor site, resulted in the out-of-frame deletion of 14 bases in exon 19 (c.8332_8345del) and the in-frame deletion of exon 19 (c.8332_8487del) impacting the functionally important DNA binding domain of the BRCA2 protein (PMID: 21735045, 31343793). A functional study has reported that this variant impacted BRCA2 function in a haploid cell proliferation assay (PMID: 39779857). This variant has been reported in at least seven suspected hereditary breast and ovarian cancer families (PMID: 29446198, 31343793, 32614418). A multifactorial analysis has reported a likelihood ratio for pathogenicity based on personal and family history of 0.847 from log(LR)=-0.072239541 in two carriers (PMID: 31853058). This variant has not been identified in the general population by the Genome Aggregation Database (gnomAD). Loss of BRCA2 function is a known mechanism of disease. Based on the available evidence, this variant is classified as Likely Pathogenic.

Molecular Diagnostics Laboratory, Catalan Institute of Oncology
Classification: Likely pathogenic for Hereditary cancer-predisposing syndrome. Last evaluated: 2024-11-26. Review status: criteria provided, single submitter. Criteria: ClinGen BRCA1BRCA2 ACMG Specifications BRCA2 V1.0.0. Collection method: clinical testing. Allele origin: germline.
Comment: PVS1 (RNA), PM2_Supporting c.8332-2A>G, located in a canonic splicing site of the BRCA2 gene, is predicted to alter splicing. Studies have shown that disruption of this splice site results in partial deletion of exon 19 and skipping of exon 19 and introduces a premature termination codon (r.[8332_8345del, r.8332_8487del]; p.[Ile2778Tyrfs*15, p.Ile2778_Gln2829del]) (PMID: 31343793) (PVS1(RNA). It is not present in the population database gnomAD v2.1.1, non cancer dataset (PM2_supporting). To our knowledge, functional studies have not been reported for this variant. In addition, the variant has been identified in the ClinVar database (6x pathogenic, 4x likely pathogenic), in the LOVD database (8x pathogenic) and BRCA Exchange database, (‘not yet reviewed’).Based on currently available information, the variant c.8332-2A>G is classified as a likely pathogenic variant according to ClinGen- BRCA1 and BRCA2 Guidelines version 1.0.0.

GeneDx
Classification: Likely pathogenic. Last evaluated: 2024-05-08. Review status: criteria provided, single submitter. Criteria: GeneDx Variant Classification Process June 2021. Collection method: clinical testing. Allele origin: germline. Affected: yes.
Comment: Canonical splice site variant demonstrated to result in a null allele in a gene for which loss of function is a known mechanism of disease (PMID: 31343793); Published functional study demonstrates inability to rescue cell viability in a complementation assay (PMID: 32398771); Not observed at significant frequency in large population cohorts (gnomAD); Also known as 8560-2A>G; This variant is associated with the following publications: (PMID: 28152038, 29446198, 31343793, 12228710, 32398771)

KCCC/NGS Laboratory, Kuwait Cancer Control Center
Classification: Pathogenic for Breast-ovarian cancer, familial, susceptibility to, 2. Last evaluated: 2023-06-06. Review status: criteria provided, single submitter. Criteria: ACMG Guidelines, 2015. Collection method: clinical testing. Allele origin: germline. Affected: yes.
Comment: The c.8332-2A>G intronic variant results from an A to G substitution two nucleotides upstream from coding exon 18 in the BRCA2 gene. This nucleotide position is highly conserved on sequence alignment. Using the BDGP and ESEfinder splice site prediction tools, this alteration is predicted to abolish the native splice acceptor site. Alterations that disrupt the canonical splice acceptor site are typically deleterious in nature (ACMG Recommendations for Standards for Interpretation and Reporting of Sequence Variations. Revision 2007. Genet Med. 2008; 10:294). In-silico prediction show pathogenic computational verdict based on 6 pathogenic predictions from BayesDel_addAF, DANN, EIGEN, FATHMM-MKL, MutationTaster and scSNV-Splicing vs no benign predictions. ClinVar classifies this variant as Pathogenic, rated 2 stars, with 5 submissions and no conflicts. Therefore, the c.8332-2A>G variant is classified as pathogenic.

Labcorp Genetics (formerly Invitae), Labcorp
Classification: Likely pathogenic for Hereditary breast ovarian cancer syndrome. Last evaluated: 2023-04-26. Review status: criteria provided, single submitter. Criteria: Invitae Variant Classification Sherloc (09022015). Collection method: clinical testing. Allele origin: germline.
Comment: This sequence change affects an acceptor splice site in intron 18 of the BRCA2 gene. RNA analysis indicates that disruption of this splice site induces altered splicing and may result in an absent or disrupted protein product. This variant is not present in population databases (gnomAD no frequency). Disruption of this splice site has been observed in individual(s) with breast and/or ovarian cancer (PMID: 29446198, 31343793). ClinVar contains an entry for this variant (Variation ID: 142861). Studies have shown that disruption of this splice site results in partial deletion of exon 19 and skipping of exon 19 and introduces a premature termination codon (PMID: 21735045, 31343793). The resulting mRNA is expected to undergo nonsense-mediated decay. In summary, the currently available evidence indicates that the variant is pathogenic, but additional data are needed to prove that conclusively. Therefore, this variant has been classified as Likely Pathogenic.

Baylor Genetics
Classification: Likely pathogenic for Familial cancer of breast. Last evaluated: 2022-09-07. Review status: criteria provided, single submitter. Criteria: ACMG Guidelines, 2015. Collection method: clinical testing. Allele origin: unknown.

Consortium of Investigators of Modifiers of BRCA1/2 (CIMBA), c/o University of Cambridge
Classification: Pathogenic for Breast-ovarian cancer, familial, susceptibility to, 2. Last evaluated: 2015-10-02. Review status: criteria provided, single submitter. Criteria: CIMBA Mutation Classification guidelines May 2016. Collection method: clinical testing. Allele origin: germline.

Hereditary Cancer Genetics group, Vall d'Hebron Institute of Oncology
Classification: Pathogenic for Hereditary breast and ovarian cancer syndrome. Last evaluated: 2019-03-01. Review status: no assertion criteria provided. Collection method: research. Allele origin: germline. Affected: yes. Not counted in ClinVar's aggregate classification.

Counsyl
Classification: Likely pathogenic for Breast-ovarian cancer, familial, susceptibility to, 2. Last evaluated: 2017-02-14. Review status: no assertion criteria provided. Collection method: clinical testing. Allele origin: unknown. Not counted in ClinVar's aggregate classification.

Department of Pathology and Laboratory Medicine, Sinai Health System
Classification: Pathogenic for Malignant tumor of breast. Review status: no assertion criteria provided. Collection method: clinical testing. Allele origin: unknown. Affected: yes. Study: The Canadian Open Genetics Repository (COGR). Not counted in ClinVar's aggregate classification.
Comment: The c.8332-2A>G variant has not been previously identified in the literature nor by our laboratory and is of the type which is expected to cause the disorder. The c.8332-2A>G variant is located in the 3' splice region, and is predicted to cause abnormal splicing because the nucleotide substitution occurs in the invariant -1 and -2 positions of the splice consensus sequence. In summary, based on the information above this variant is Pathogenic.

Diagnostic Laboratory, Department of Genetics, University Medical Center Groningen
Classification: Pathogenic. Review status: no assertion criteria provided. Collection method: clinical testing. Allele origin: germline. Affected: yes. Study: VKGL Data-share Consensus. Not counted in ClinVar's aggregate classification.

Joint Genome Diagnostic Labs from Nijmegen and Maastricht, Radboudumc and MUMC+
Classification: Pathogenic. Review status: no assertion criteria provided. Collection method: clinical testing. Allele origin: germline. Affected: yes. Study: VKGL Data-share Consensus. Not counted in ClinVar's aggregate classification.

Literature cited by the submitters: PubMed 31343793 (cited by 3 submitters); PubMed 32398771 (cited by Ambry Genetics); PubMed 21735045 (cited by Color Diagnostics, LLC DBA Color Health and Labcorp Genetics (formerly Invitae), Labcorp); PubMed 29446198 (cited by Color Diagnostics, LLC DBA Color Health and Labcorp Genetics (formerly Invitae), Labcorp); PubMed 31853058 (cited by Color Diagnostics, LLC DBA Color Health); PubMed 32614418 (cited by Color Diagnostics, LLC DBA Color Health); PubMed 39779857 (cited by Color Diagnostics, LLC DBA Color Health); PubMed 30472649 (cited by Hereditary Cancer Genetics group, Vall d'Hebron Institute of Oncology).